The following is an entry in ClinVar:

NM_005188.4(CBL):c.1915A>G (p.Ser639Gly)

Gene: CBL (Cbl proto-oncogene; plus strand). Cytogenetic location: 11q23.3.
Variant type: single nucleotide variant.
Coding change: c.1915A>G on transcript NM_005188.4 (MANE Select); coding-DNA position 1915, A replaced by G.
Protein change: p.Ser639Gly; replaces serine 639 with glycine.
Molecular consequence: missense variant.
Genome position (GRCh38, 1-based): chr11:119,285,540, A>G. VCF-style: chr11-119285540-A-G. GRCh37 (hg19) VCF-style: chr11-119156250-A-G.
Other names: c.1915A>G (NM_005188.2); short protein forms S639G.
Identifiers: ClinVar variation 2771620 (VCV002771620.4), dbSNP rs2496953585, ClinGen allele CA382920962.

ClinVar aggregate classification (germline): Uncertain significance. Review status: criteria provided, multiple submitters, no conflicts (2 of 4 stars). 2 submissions from 2 submitters: Uncertain significance (2). Last evaluated 2025-11-26.

Conditions:
RASopathy. Also called: Noonan spectrum disorder; rasopathies. Identifiers: Orphanet 536391, MedGen C5555857, MONDO:0021060.
Cardiovascular phenotype. Identifiers: MedGen CN230736.

gnomAD v4.1: 1 of 1,614,106 alleles (0.000062%); no homozygotes.

Submissions (2):

Ambry Genetics
Classification: Uncertain significance for Cardiovascular phenotype. Last evaluated: 2025-11-26. Review status: criteria provided, single submitter. Criteria: Ambry Variant Classification Scheme 2023. Collection method: clinical testing. Allele origin: germline.

Labcorp Genetics (formerly Invitae), Labcorp
Classification: Uncertain significance for RASopathy. Last evaluated: 2025-05-27. Review status: criteria provided, single submitter. Criteria: Invitae Variant Classification Sherloc (09022015). Collection method: clinical testing. Allele origin: germline.
Comment: This sequence change replaces serine, which is neutral and polar, with glycine, which is neutral and non-polar, at codon 639 of the CBL protein (p.Ser639Gly). This variant is not present in population databases (gnomAD no frequency). This variant has not been reported in the literature in individuals affected with CBL-related conditions. ClinVar contains an entry for this variant (Variation ID: 2771620). Invitae Evidence Modeling of protein sequence and biophysical properties (such as structural, functional, and spatial information, amino acid conservation, physicochemical variation, residue mobility, and thermodynamic stability) indicates that this missense variant is not expected to disrupt CBL protein function with a negative predictive value of 95%. In summary, the available evidence is currently insufficient to determine the role of this variant in disease. Therefore, it has been classified as a Variant of Uncertain Significance.